The following is an entry in ClinVar:

NM_000465.4(BARD1):c.92dup (p.Gly32fs)

Gene: BARD1 (BRCA1 associated RING domain 1; minus strand). Cytogenetic location: 2q35.
Variant type: Duplication.
Coding change: c.92dup on transcript NM_000465.4 (MANE Select); coding-DNA position 92, one base duplicated (G; older notation c.92dupG).
Protein change: p.Gly32fs; shifts the reading frame from glycine 32.
Molecular consequence: frameshift variant. On other transcripts: non-coding transcript variant (3).
Genome position (GRCh38, 1-based): chr2:214,809,478, C duplicated on the plus strand (G on the coding strand, the reverse complement: BARD1 is on the minus strand). VCF-style (leftmost placement, unchanged base first): chr2-214809477-G-GC. GRCh37 (hg19) VCF-style: chr2-215674201-G-GC.
Other names: c.92dup, p.Gly32fs (NM_001282543.2, NM_001282545.2, NM_001282548.2 and 1 more transcripts); short protein forms G32fs.
Identifiers: ClinVar variation 2703726 (VCV002703726.3), dbSNP rs2469638497, ClinGen allele CA2697550345.

ClinVar aggregate classification (germline): Pathogenic (1 of 4 stars; one submission).

Conditions:
Familial cancer of breast. Also called: Hereditary breast cancer; BREAST CANCER, FAMILIAL; hereditary breast carcinoma. Identifiers: Orphanet 227535, MedGen C0346153, MONDO:0016419, OMIM 114480. Disease mechanism: loss of function.

Submission:

Labcorp Genetics (formerly Invitae), Labcorp
Classification: Pathogenic for Familial cancer of breast. Last evaluated: 2024-04-29. Review status: criteria provided, single submitter. Criteria: Invitae Variant Classification Sherloc (09022015). Collection method: clinical testing. Allele origin: germline.
Comment: This sequence change creates a premature translational stop signal (p.Gly32Argfs*24) in the BARD1 gene. It is expected to result in an absent or disrupted protein product. Loss-of-function variants in BARD1 are known to be pathogenic (PMID: 20077502, 21344236). This variant is not present in population databases (gnomAD no frequency). This variant has not been reported in the literature in individuals affected with BARD1-related conditions. For these reasons, this variant has been classified as Pathogenic.

Literature cited by the submitters: PubMed 20077502; PubMed 21344236.